The following is an entry in ClinVar:

NM_018116.4(MSTO1):c.1511dup (p.Val506fs)

Gene: MSTO1 (misato mitochondrial distribution and morphology regulator 1; plus strand). Cytogenetic location: 1q22.
Variant type: Duplication.
Coding change: c.1511dup on transcript NM_018116.4 (MANE Select); coding-DNA position 1511, one base duplicated (T; older notation c.1511dupT).
Protein change: p.Val506fs; shifts the reading frame from valine 506.
Molecular consequence: frameshift variant. On other transcripts: non-coding transcript variant (6).
Genome position (GRCh38, 1-based): chr1:155,614,071, T duplicated. VCF-style (leftmost placement, unchanged base first): chr1-155614070-A-AT. GRCh37 (hg19) VCF-style: chr1-155583861-A-AT.
Other names: c.1508dup, p.Val505fs (NM_001256532.1); c.1475dup, p.Val494fs (NM_001256533.1); c.1478dup, p.Val495fs (NM_001350772.1); c.1548dup, p.Pro517fs (NM_001350773.1); c.1545dup, p.Pro516fs (NM_001350774.1); c.1536dup, p.Pro513fs (NM_001350775.1); c.1346dup, p.Val451fs (NM_001350776.1); c.980dup, p.Val329fs (NM_001350777.1, NM_001350778.1, NM_001350779.1); and 7 more; short protein forms P332fs, P335fs, P339fs, P513fs, P516fs, P517fs, V314fs, V325fs.
Identifiers: ClinVar variation 1723003 (VCV001723003.2), dbSNP rs2525472529, ClinGen allele CA2580061139.
Genomic context (GRCh38, chr1:155,614,070, plus strand): 5'-GGCAGAATAATCATCCATCTACAGGTCTCTGTTTCCTCTCCCTCCACAGCAGTGGAGAGC[A>AT]TCCCAGTGTTTGGGGCACTGTGTTCCTCTTCGTCCCTGCACCAGACCCTGGAAGCCTTGG-3'

ClinVar aggregate classification (germline): Uncertain significance (1 of 4 stars; one submission).

Submission:

GeneDx
Classification: Uncertain significance. Last evaluated: 2022-04-25. Review status: criteria provided, single submitter. Criteria: GeneDx Variant Classification Process June 2021. Collection method: clinical testing. Allele origin: germline. Affected: yes.
Comment: Frameshift variant predicted to result in protein truncation as the last 65 amino acids are replaced with 41 different amino acids, although loss-of-function variants have not been reported downstream of this position in the protein; Not observed at significant frequency in large population cohorts (gnomAD); Has not been previously published as pathogenic or benign to our knowledge